The following is an entry in ClinVar:

ClinVar aggregate classification (germline): Pathogenic. Review status: criteria provided, multiple submitters, no conflicts (2 of 4 stars). 13 submissions from 12 submitters: Pathogenic (5). 8 of the submissions do not count toward it. Last evaluated 2025-03-17.

Conditions:
unclassified developmental and epileptic encephalopathy.
Episodic ataxia, type 9. Identifiers: MedGen C5394520, MONDO:0030064, OMIM 618924.
Developmental and epileptic encephalopathy, 11 (DEE11). Also called: Early infantile epileptic encephalopathy 11. Identifiers: Orphanet 1934, MedGen C3150987, MONDO:0013388, OMIM 613721.
Benign Neonatal Epilepsy. Identifiers: MedGen C0270851.
Developmental and epileptic encephalopathy. Identifiers: MedGen C5779964, MONDO:0100620.
SCN2A-related disorder. Also called: SCN2A-related condition; SCN2A-related disorders. Identifiers: MedGen CN382226, MONDO:1060245.
Seizures, benign familial infantile, 3 (BFIS3). Also called: CONVULSIONS, BENIGN FAMILIAL INFANTILE, 3; Familial neonatal seizures. Identifiers: Orphanet 140927, Orphanet 306, MedGen C1843140, MONDO:0011904, OMIM 607745.

Allele frequency attached by ClinVar (database versions not stated): 1000 Genomes Project 30x 0.00016.

Submissions (14):

Labcorp Genetics (formerly Invitae), Labcorp
Classification: Pathogenic for Seizures, benign familial infantile, 3; Developmental and epileptic encephalopathy, 11. Last evaluated: 2025-03-17. Review status: criteria provided, single submitter. Criteria: Invitae Variant Classification Sherloc (09022015). Collection method: clinical testing. Allele origin: germline.
Comment: This sequence change replaces valine, which is neutral and non-polar, with methionine, which is neutral and non-polar, at codon 261 of the SCN2A protein (p.Val261Met). This variant is not present in population databases (gnomAD no frequency). This missense change has been observed in individual(s) with benign familial neonatal-infantile seizures or epileptic encephalopathy (PMID: 20371507, 27779742, 28379373, 29100083, 30619928). In at least one individual the variant was observed to be de novo. ClinVar contains an entry for this variant (Variation ID: 378927). Invitae Evidence Modeling of protein sequence and biophysical properties (such as structural, functional, and spatial information, amino acid conservation, physicochemical variation, residue mobility, and thermodynamic stability) indicates that this missense variant is expected to disrupt SCN2A protein function with a positive predictive value of 95%. Experimental studies have shown that this missense change affects SCN2A function (PMID: 20371507). For these reasons, this variant has been classified as Pathogenic.

GeneDx
Classification: Pathogenic. Last evaluated: 2024-09-15. Review status: criteria provided, single submitter. Criteria: GeneDx Variant Classification Process June 2021. Collection method: clinical testing. Allele origin: germline. Affected: yes.
Comment: Not observed at significant frequency in large population cohorts (gnomAD); Published functional studies demonstrate altered channel function (PMID: 20371507); In silico analysis supports that this missense variant has a deleterious effect on protein structure/function; This variant is associated with the following publications: (PMID: 24579881, 30776697, 34120799, 20371507, 22029951, 27779742, 28488083, 31904120, 32090326, 36007526, 36198807, 29100083, 28379373, 37429183, 30619928)

Sydney Genome Diagnostics, Children's Hospital Westmead
Classification: Pathogenic for Seizures, benign familial infantile, 3. Last evaluated: 2022-06-02. Review status: criteria provided, single submitter. Criteria: ACMG Guidelines, 2015. Collection method: clinical testing. Allele origin: germline.
Comment: This variant has not been reported in any population databases (i.e. gnomAD v2.1.1, ESP or dbSNP). However, this variant has been identified, de novo, in multiple individuals with either early infantile epileptic encephalopathy or benign nenonatal or infantile seizures (Zeng et al. 2022 PMID: 35431799; Kong et al. 2019 PMID: 30619928; Wolf et al. 2017 PMID: 28379373 & Liao et al. 2010 PMID: 20371507). Functional studies have shown this variant to have a gain of function effect and is likely to result in a functionally abnormal protein (Hedrich et al, 2019 PMID: 31904120). This variant is considered to be pathogenic according to the ACMG guidelines (evidence used: PS3, PS4_Moderate, PM2, PM6_Strong).

Rady Children's Institute for Genomic Medicine, Rady Children's Hospital San Diego
Classification: Pathogenic for SCN2A-related disorders. Last evaluated: 2019-08-07. Review status: criteria provided, single submitter. Criteria: ACMG Guidelines, 2015. Collection method: clinical testing. Allele origin: germline. Affected: yes.
Comment: This variant has been previously reported as a de novo or heterozygous change in patients with both benign neonatal seizures and epileptic encephalopathy (PMID: 30776697, 30619928, 27779742, 28379373, 20371507). Functional studies demonstrated significant gating changes leading to a gain-of-function effect (PMID: 20371507). It is absent from the ExAC and gnomAD population databases and thus is presumed to be rare. The c.781G>A, p.Val261Met variant affects a highly conserved amino acid and is predicted by multiple in silico tools to have a deleterious effect on protein function. Analysis of the parental samples was negative for the variant, indicating this variant likely occurred as a de novo event. Based on the available evidence, the p.Val261Met variant is classified as Pathogenic.

Blueprint Genetics
Classification: Pathogenic for SCN2A-related disorders. Last evaluated: 2017-11-29. Review status: criteria provided, single submitter. Criteria: ACMG Guidelines, 2015. Collection method: clinical testing. Allele origin: germline. Affected: yes. Observed: 3 variant alleles.

Clinical Genetics Laboratory, University Hospital Schleswig-Holstein
Classification: Pathogenic for Developmental and epileptic encephalopathy, 11. Last evaluated: 2022-12-05. Review status: no assertion criteria provided. Collection method: clinical testing. Allele origin: germline. Affected: yes. Not counted in ClinVar's aggregate classification.

Neurology Department, Shenzhen Children's Hospital
Classification: Pathogenic for Benign Neonatal Epilepsy. Last evaluated: 2022-02-16. Review status: no assertion criteria provided. Collection method: clinical testing. Allele origin: de novo. Affected: yes. Not counted in ClinVar's aggregate classification.

Neurology Department, Shenzhen Children's Hospital
Classification: Pathogenic for Developmental and epileptic encephalopathy. Last evaluated: 2022-02-16. Review status: no assertion criteria provided. Collection method: clinical testing. Allele origin: de novo. Affected: yes. Observed: 2 variant alleles. Not counted in ClinVar's aggregate classification.

Center of Excellence for Medical Genomics, Chulalongkorn University
Classification: Pathogenic for Episodic ataxia, type 9. Last evaluated: 2002-09-08. Review status: no assertion criteria provided. Collection method: research. Allele origin: de novo. Affected: yes. Not counted in ClinVar's aggregate classification.

Channelopathy-Associated Epilepsy Research Center
No classification provided (evidence only). Condition: Complex neurodevelopmental disorder. Review status: no classification provided. Collection method: literature only. Allele origin: not applicable. Functional consequence: Increase in slope of fast inactivation, Mild slowing of fast inactivation, Mild increase in persistent current, Normal slope of fast inactivation, Normal voltage dependence of fast inactivation, Normal slope of activation, Normal voltage dependence of activation, Normal peak current, Increase in slope of activation, Acceleration of recovery from fast inactivation, Overall gain-of-function. Not counted in ClinVar's aggregate classification.
ClinVar note: "not provided" was previously submitted as the classification for the variant. However, the classification appeared to be based only on an observation of functional data so it was converted to no classification on 2025-07-30.

Department of Neurology, Children’s Hospital of Chongqing Medical University
Classification: Likely pathogenic for unclassified developmental and epileptic encephalopathy. Review status: no assertion criteria provided. Criteria: ACMG Guidelines, 2015. Collection method: research. Allele origin: de novo. Affected: yes. Not counted in ClinVar's aggregate classification.

Diagnostic Laboratory, Department of Genetics, University Medical Center Groningen
Classification: Pathogenic. Review status: no assertion criteria provided. Collection method: clinical testing. Allele origin: germline. Affected: yes. Study: VKGL Data-share Consensus. Not counted in ClinVar's aggregate classification.

Genome Diagnostics Laboratory, University Medical Center Utrecht
Classification: Pathogenic. Review status: no assertion criteria provided. Collection method: clinical testing. Allele origin: germline. Affected: yes. Study: VKGL Data-share Consensus. Not counted in ClinVar's aggregate classification.

Joint Genome Diagnostic Labs from Nijmegen and Maastricht, Radboudumc and MUMC+
Classification: Pathogenic. Review status: no assertion criteria provided. Collection method: clinical testing. Allele origin: germline. Affected: yes. Study: VKGL Data-share Consensus. Not counted in ClinVar's aggregate classification.

Literature cited by the submitters: PubMed 20371507 (cited by 4 submitters); PubMed 27779742 (cited by Labcorp Genetics (formerly Invitae), Labcorp and Rady Children's Institute for Genomic Medicine, Rady Children's Hospital San Diego); PubMed 28379373 (cited by 3 submitters); PubMed 29100083 (cited by Labcorp Genetics (formerly Invitae), Labcorp); PubMed 30619928 (cited by 3 submitters); PubMed 31904120 (cited by Sydney Genome Diagnostics, Children's Hospital Westmead); PubMed 35431799 (cited by Sydney Genome Diagnostics, Children's Hospital Westmead); PubMed 30776697 (cited by Rady Children's Institute for Genomic Medicine, Rady Children's Hospital San Diego).

NM_001040142.2(SCN2A):c.781G>A (p.Val261Met)

Gene: SCN2A (sodium voltage-gated channel alpha subunit 2; plus strand). Cytogenetic location: 2q24.3.
Variant type: single nucleotide variant.
Coding change: c.781G>A on transcript NM_001040142.2 (MANE Select); coding-DNA position 781, G replaced by A.
Protein change: p.Val261Met; replaces valine 261 with methionine.
Molecular consequence: missense variant.
Genome position (GRCh38, 1-based): chr2:165,310,406, G>A. VCF-style: chr2-165310406-G-A. GRCh37 (hg19) VCF-style: chr2-166166916-G-A.
Other names: c.781G>A, p.Val261Met (NM_001040143.2, NM_001371246.1, NM_001371247.1 and 1 more transcripts); short protein forms V261M.
Identifiers: ClinVar variation 378927 (VCV000378927.52), dbSNP rs1057520413, ClinGen allele CA16604008.